The following is an entry in ClinVar:

ClinVar aggregate classification (germline): Uncertain significance (1 of 4 stars; one submission).

Conditions:
Hereditary cancer-predisposing syndrome. Also called: Hereditary Cancer Syndrome; Hereditary neoplastic syndrome; Neoplastic Syndromes, Hereditary; Tumor predisposition. Identifiers: Orphanet 140162, MedGen C0027672, MeSH D009386, MONDO:0015356.

Submission:

Ambry Genetics
Classification: Uncertain significance for Hereditary cancer-predisposing syndrome. Last evaluated: 2021-11-24. Review status: criteria provided, single submitter. Criteria: Ambry Variant Classification Scheme 2023. Collection method: clinical testing. Allele origin: germline.
Comment: The p.D199N variant (also known as c.595G>A), located in coding exon 8 of the BAP1 gene, results from a G to A substitution at nucleotide position 595. The aspartic acid at codon 199 is replaced by asparagine, an amino acid with highly similar properties. This amino acid position is well conserved in available vertebrate species. In addition, this alteration is predicted to be tolerated by in silico analysis. Since supporting evidence is limited at this time, the clinical significance of this alteration remains unclear.

NM_004656.4(BAP1):c.595G>A (p.Asp199Asn)

Gene: BAP1 (BRCA1 associated deubiquitinase 1; minus strand). Cytogenetic location: 3p21.1.
Variant type: single nucleotide variant.
Coding change: c.595G>A on transcript NM_004656.4 (MANE Select); coding-DNA position 595, G replaced by A.
Protein change: p.Asp199Asn; replaces aspartic acid 199 with asparagine.
Molecular consequence: missense variant.
Genome position (GRCh38, 1-based): chr3:52,406,893, C>T on the plus strand (G>A on the coding strand, the complement: BAP1 is on the minus strand). VCF-style: chr3-52406893-C-T. GRCh37 (hg19) VCF-style: chr3-52440909-C-T.
Other names: c.595G>A, p.Asp199Asn (NM_001410772.1); short protein forms D199N.
Identifiers: ClinVar variation 1750728 (VCV001750728.2), dbSNP rs2153227658, ClinGen allele CA353109154.